The following is an entry in ClinVar:

NM_015627.3(LDLRAP1):c.302A>T (p.Asp101Val)

Gene: LDLRAP1 (low density lipoprotein receptor adaptor protein 1; plus strand). Cytogenetic location: 1p36.11.
Variant type: single nucleotide variant.
Coding change: c.302A>T on transcript NM_015627.3 (MANE Select); coding-DNA position 302, A replaced by T.
Protein change: p.Asp101Val; replaces aspartic acid 101 with valine.
Molecular consequence: missense variant.
Genome position (GRCh38, 1-based): chr1:25,554,930, A>T. VCF-style: chr1-25554930-A-T. GRCh37 (hg19) VCF-style: chr1-25881421-A-T.
Other names: short protein forms D101V.
Identifiers: ClinVar variation 1799007 (VCV001799007.4), dbSNP rs1188788904, ClinGen allele CA339078068.

ClinVar aggregate classification (germline): Uncertain significance. Review status: criteria provided, multiple submitters, no conflicts (2 of 4 stars). 2 submissions from 2 submitters: Uncertain significance (2). Last evaluated 2024-07-04.

Conditions:
Cardiovascular phenotype. Identifiers: MedGen CN230736.

Allele frequency attached by ClinVar (database versions not stated): gnomAD 0.00001; gnomAD exomes 0.00001; TOPMed 0.00001.
gnomAD v4.1: 14 of 1,614,080 alleles (0.00087%); highest among the groups gnomAD compares: Admixed American, 0.005%; no homozygotes.

Submissions (2):

Ambry Genetics
Classification: Uncertain significance for Cardiovascular phenotype. Last evaluated: 2024-07-04. Review status: criteria provided, single submitter. Criteria: Ambry Variant Classification Scheme 2023. Collection method: clinical testing. Allele origin: germline.
Comment: The p.D101V variant (also known as c.302A>T), located in coding exon 3 of the LDLRAP1 gene, results from an A to T substitution at nucleotide position 302. The aspartic acid at codon 101 is replaced by valine, an amino acid with highly dissimilar properties. This amino acid position is highly conserved in available vertebrate species. In addition, this alteration is predicted to be deleterious by in silico analysis. Since supporting evidence is limited at this time, the clinical significance of this alteration remains unclear.

Blueprint Genetics
Classification: Uncertain significance. Last evaluated: 2024-02-12. Review status: criteria provided, single submitter. Criteria: ACMG Guidelines, 2015. Collection method: clinical testing. Allele origin: germline.